The following is an entry in ClinVar:

NM_000051.4(ATM):c.3764T>C (p.Leu1255Ser)

Gene: ATM (ATM serine/threonine kinase; plus strand). Cytogenetic location: 11q22.3.
Variant type: single nucleotide variant.
Coding change: c.3764T>C on transcript NM_000051.4 (MANE Select); coding-DNA position 3764, T replaced by C.
Protein change: p.Leu1255Ser; replaces leucine 1255 with serine.
Molecular consequence: missense variant.
Genome position (GRCh38, 1-based): chr11:108,284,244, T>C. VCF-style: chr11-108284244-T-C. GRCh37 (hg19) VCF-style: chr11-108154971-T-C.
Other names: c.3764T>C, p.Leu1255Ser (NM_001351834.2); short protein forms L1255S.
Identifiers: ClinVar variation 1519566 (VCV001519566.6), dbSNP rs2082374257, ClinGen allele CA382524341.

ClinVar aggregate classification (germline): Uncertain significance (1 of 4 stars; one submission).

Conditions:
Ataxia-telangiectasia syndrome (AT). Also called: Ataxia-telangiectasia, complementation group E; Cerebello-oculocutaneous telangiectasia; Immunodeficiency with ataxia telangiectasia; ATAXIA-TELANGIECTASIA, COMPLEMENTATION GROUP A; ATAXIA-TELANGIECTASIA, FRESNO VARIANT; Ataxia-telangiectasia, complementation group D. Identifiers: Orphanet 100, MedGen C0004135, MONDO:0008840, OMIM 208900.

Submission:

Labcorp Genetics (formerly Invitae), Labcorp
Classification: Uncertain significance for Ataxia-telangiectasia syndrome. Last evaluated: 2021-09-16. Review status: criteria provided, single submitter. Criteria: Invitae Variant Classification Sherloc (09022015). Collection method: clinical testing. Allele origin: germline.
Comment: In summary, the available evidence is currently insufficient to determine the role of this variant in disease. Therefore, it has been classified as a Variant of Uncertain Significance. Advanced modeling of protein sequence and biophysical properties (such as structural, functional, and spatial information, amino acid conservation, physicochemical variation, residue mobility, and thermodynamic stability) performed at Invitae indicates that this missense variant is not expected to disrupt ATM protein function. This variant has not been reported in the literature in individuals affected with ATM-related conditions. This variant is not present in population databases (ExAC no frequency). This sequence change replaces leucine with serine at codon 1255 of the ATM protein (p.Leu1255Ser). The leucine residue is moderately conserved and there is a large physicochemical difference between leucine and serine.